The following is an entry in ClinVar:

NM_152328.5(ADSS1):c.193-5127A>C

Gene: ADSS1 (adenylosuccinate synthase 1; plus strand). Cytogenetic location: 14q32.33.
Variant type: single nucleotide variant.
Coding change: c.193-5127A>C on transcript NM_152328.5 (MANE Select); 5127 bases into the intron before coding-DNA position 193, A replaced by C.
Molecular consequence: intron variant. On other transcripts: 5 prime UTR variant (1), missense variant (1), initiator codon variant (1).
Genome position (GRCh38, 1-based): chr14:104,729,893, A>C. VCF-style: chr14-104729893-A-C. GRCh37 (hg19) VCF-style: chr14-105196230-A-C.
Other names: p.Met1?; c.-727A>C (NM_001320424.1); c.1A>C, p.Met1Leu (NM_199165.2); short protein forms M1L.
Identifiers: ClinVar variation 769403 (VCV000769403.14), dbSNP rs80097179, ClinGen allele CA267335103.

ClinVar aggregate classification (germline): Benign. Review status: criteria provided, multiple submitters, no conflicts (2 of 4 stars). 4 submissions from 4 submitters: Benign (3). 1 of the submissions does not count toward it. Last evaluated 2026-02-03.

Conditions:
ADSS1-related disorder. Also called: ADSS1-related condition.

Allele frequency attached by ClinVar (database versions not stated): gnomAD 0.20550 and 0.25880; ESP Exome Variant Server 0.26942; 1000 Genomes Project 0.37620; TOPMed 0.31070.

Submissions (4):

Labcorp Genetics (formerly Invitae), Labcorp
Classification: Benign. Last evaluated: 2026-02-03. Review status: criteria provided, single submitter. Criteria: Invitae Variant Classification Sherloc (09022015). Collection method: clinical testing. Allele origin: germline.

Mayo Clinic Laboratories, Mayo Clinic
Classification: Benign. Last evaluated: 2023-03-21. Review status: criteria provided, single submitter. Criteria: ACMG Guidelines, 2015. Collection method: clinical testing. Allele origin: germline. Observed: 136 variant alleles.

Breakthrough Genomics
Classification: Benign. Review status: criteria provided, single submitter. Criteria: ACMG Guidelines, 2015. Collection method: not provided. Allele origin: germline. Inheritance: Autosomal recessive inheritance. Affected: yes.

PreventionGenetics, part of Exact Sciences
Classification: Benign for ADSS1-related condition. Last evaluated: 2020-03-17. Review status: no assertion criteria provided. Collection method: clinical testing. Allele origin: germline. Not counted in ClinVar's aggregate classification.
Comment: This variant is classified as benign based on ACMG/AMP sequence variant interpretation guidelines (Richards et al. 2015 PMID: 25741868, with internal and published modifications).